The following is an entry in ClinVar:

NM_001130987.2(DYSF):c.1544C>A (p.Ser515Ter)

Gene: DYSF (dysferlin; plus strand). Cytogenetic location: 2p13.2.
Variant type: single nucleotide variant.
Coding change: c.1544C>A on transcript NM_001130987.2 (MANE Select); coding-DNA position 1544, C replaced by A.
Protein change: p.Ser515Ter; replaces serine 515 with a stop codon.
Molecular consequence: nonsense.
Genome position (GRCh38, 1-based): chr2:71,539,207, C>A. VCF-style: chr2-71539207-C-A. GRCh37 (hg19) VCF-style: chr2-71766337-C-A.
Other names: c.1451C>A, p.Ser484Ter (NM_001130455.2, NM_001130983.2, NM_001130984.2 and 1 more transcripts); c.1448C>A, p.Ser483Ter (NM_001130976.2, NM_001130977.2, NM_001130978.2 and 1 more transcripts); c.1541C>A, p.Ser514Ter (NM_001130979.2, NM_001130980.2, NM_001130981.2); c.1544C>A, p.Ser515Ter (NM_001130982.2, NM_001130985.2); short protein forms S483*, S515*, S484*, S514*.
Identifiers: ClinVar variation 554057 (VCV000554057.9), dbSNP rs139258703, ClinGen allele CA347216767.
Genomic context (GRCh38, chr2:71,539,207, plus strand): 5'-CTTGCTCTAGGGACCGCCTGACTCACAATGACATCGTGGCTACCACCTACCTGAGTATGT[C>A]GAAAATCTCTGCCCCTGGAGGAGAAATAGAAGGTATGTTCCCTCTTCGTTCTGCCCTTTG-3'

ClinVar aggregate classification (germline): Pathogenic. Review status: criteria provided, multiple submitters, no conflicts (2 of 4 stars). 4 submissions from 4 submitters: Pathogenic (3). 1 of the submissions does not count toward it. Last evaluated 2025-08-20.

Conditions:
Neuromuscular disease caused by qualitative or quantitative defects of dysferlin. Also called: Qualitative or quantitative defects of dysferlin; Dysferlinopathy. Identifiers: Orphanet 207073, MedGen C2931687, MONDO:0016145.
Autosomal recessive limb-girdle muscular dystrophy type 2B (LGMDR2). Also called: Limb-Girdle Muscular Dystrophy Type 2B (LGMD2B); MUSCULAR DYSTROPHY, LIMB-GIRDLE, AUTOSOMAL RECESSIVE 2; MUSCULAR DYSTROPHY, LIMB-GIRDLE, TYPE 3; Limb-girdle muscular dystrophy, type 2B. Identifiers: Orphanet 268, MedGen C1850889, MONDO:0009676, OMIM 253601.
Miyoshi muscular dystrophy 1 (MMD1). Identifiers: Orphanet 45448, MedGen C4551973, MONDO:0024545, OMIM 254130.

Submissions (4):

Natera, Inc.
Classification: Pathogenic for Limb-girdle muscular dystrophy type 2B. Last evaluated: 2025-08-20. Review status: criteria provided, single submitter. Criteria: Natera Variant Classification Schema (03/2026). Collection method: clinical testing. Allele origin: germline.
Comment: The c.1448C>A variant in DYSF is a nonsense variant predicted to introduce a stop codon at amino acid 483. This variant is expected to result in nonsense mediated decay, truncation, or a dysfunctional protein product. This variant is rare in the general population with a frequency below the threshold expected for the associated phenotype(s). This variant has been observed in one or more individuals affected with the associated recessive disease, as either homozygous or compound heterozygous with a second variant (PMID: 31066050). Given the available evidence, this variant is classified as Pathogenic.

Baylor Genetics
Classification: Pathogenic for Miyoshi muscular dystrophy 1. Last evaluated: 2024-01-02. Review status: criteria provided, single submitter. Criteria: ACMG Guidelines, 2015. Collection method: clinical testing. Allele origin: unknown.

Labcorp Genetics (formerly Invitae), Labcorp
Classification: Pathogenic for Neuromuscular disease caused by qualitative or quantitative defects of dysferlin. Last evaluated: 2022-12-20. Review status: criteria provided, single submitter. Criteria: Invitae Variant Classification Sherloc (09022015). Collection method: clinical testing. Allele origin: germline.
Comment: For these reasons, this variant has been classified as Pathogenic. ClinVar contains an entry for this variant (Variation ID: 554057). This premature translational stop signal has been observed in individual(s) with DYSF-related conditions (PMID: 16705711). This variant is not present in population databases (gnomAD no frequency). This sequence change creates a premature translational stop signal (p.Ser483*) in the DYSF gene. It is expected to result in an absent or disrupted protein product. Loss-of-function variants in DYSF are known to be pathogenic (PMID: 17698709, 20301480).

Counsyl
Classification: Likely pathogenic for Autosomal recessive limb-girdle muscular dystrophy type 2B. Last evaluated: 2017-10-07. Review status: no assertion criteria provided. Collection method: clinical testing. Allele origin: unknown. Not counted in ClinVar's aggregate classification.

Literature cited by the submitters: PubMed 31066050 (cited by Natera, Inc.); PubMed 16705711 (cited by Labcorp Genetics (formerly Invitae), Labcorp and Counsyl); PubMed 17698709 (cited by Labcorp Genetics (formerly Invitae), Labcorp); PubMed 20301480 (cited by Labcorp Genetics (formerly Invitae), Labcorp).